The following is an entry in ClinVar:

NM_017668.3(NDE1):c.130C>T (p.Arg44Ter)

Gene: NDE1 (nudE neurodevelopment protein 1; plus strand). Cytogenetic location: 16p13.11.
Variant type: single nucleotide variant.
Coding change: c.130C>T on transcript NM_017668.3 (MANE Select); coding-DNA position 130, C replaced by T.
Protein change: p.Arg44Ter; replaces arginine 44 with a stop codon.
Molecular consequence: nonsense.
Genome position (GRCh38, 1-based): chr16:15,667,332, C>T. VCF-style: chr16-15667332-C-T. GRCh37 (hg19) VCF-style: chr16-15761189-C-T.
Other names: c.130C>T, p.Arg44Ter (NM_001143979.2); c.130C>T (NM_001143979.1); short protein forms R44*.
Identifiers: ClinVar variation 1120133 (VCV001120133.7), dbSNP rs747020521, ClinGen allele CA394847955.

ClinVar aggregate classification (germline): Conflicting classifications of pathogenicity. Review status: criteria provided, conflicting classifications (1 of 4 stars). 4 submissions from 4 submitters: Pathogenic (1); Likely pathogenic (1); Uncertain significance (1). 1 of the submissions does not count toward it. Last evaluated 2025-09-08.

Conditions:
NDE1-related microhydranencephaly (MHAC). Also called: HYDRANENCEPHALY AND MICROCEPHALY. Identifiers: Orphanet 443162, MedGen C1857977, MONDO:0011504, OMIM 605013.
Lissencephaly 4 (LIS4). Also called: Lissencephaly 4 (with microcephaly). Identifiers: Orphanet 1083, MedGen C3151461, MONDO:0013527, OMIM 614019.
NDE1-related disorder. Also called: NDE1-related condition; NDE1-Related Disorders.

Allele frequency attached by ClinVar (database versions not stated): TOPMed 0.00001; gnomAD 0.00002.
gnomAD v4.1: 7 of 1,613,888 alleles (0.00043%); highest among the groups gnomAD compares: East Asian, 0.0022%; no homozygotes.

Submissions (4):

First Genomix Gene Laboratory, Genetic Diagnostics Department
Classification: Likely pathogenic for Lissencephaly 4; NDE1-related microhydranencephaly. Last evaluated: 2025-09-08. Review status: criteria provided, single submitter. Criteria: ACMG Guidelines, 2015. Collection method: clinical testing. Allele origin: germline. Inheritance: Autosomal recessive inheritance. Affected: no. Observed: 1 variant allele.

New York Genome Center
Classification: Pathogenic for NDE1-related microhydranencephaly; Lissencephaly 4. Last evaluated: 2024-08-28. Review status: criteria provided, single submitter. Criteria: NYGC Assertion Criteria 2020. Collection method: clinical testing. Allele origin: inherited. Affected: yes. Observed: 1 variant allele, 1 hemizygote.
Comment: The inherited, hemizygous c.130C>T variant identified in the NDE1 gene is a single nucleotide variant in exon 3/9 which is predicted to result ina nonsense variant at amino acid 44/336 (p.(Arg44Ter)) and lead to loss of function via nonsense mediated decay or loss downstream protein sequence. The variant is found with low frequency in gnomADv4.1.0 (allele frequency: 4.44e-6, no homozygotes) suggesting it is not a common benign variant in the populations represented in that database. The c.130C>T, p.(Arg44Ter) variant has been reported in ClinVar as Pathogenic and as a Variant of Uncertain Significance [VarID:1120133]. This variant has also been reported in individuals with NDE1-associated disorder in trans with a 16p13.11 deletion including NDE1 [PMID:24098143,23704059], and was found to segregate with disease in two affected siblings [PMID:23704059]. Additional loss of function variants both upstream and downstreamof the p.(Arg44Ter) variant identified here have been reported in individuals with NDE1-associated disorder [PMID:30637988, 29191162]. Given its predicted deleterious nature, observation in the literature in individuals with NDE1-associated disorder, and observation here in trans with a deletion containing NDE1, the inherited hemizygous c.130C>T, p.(Arg44Ter) variant is reported as Pathogenic.

Laboratory for Molecular Medicine, Mass General Brigham Personalized Medicine
Classification: Uncertain significance. Last evaluated: 2020-06-08. Review status: criteria provided, single submitter. Criteria: LMM Criteria. Collection method: clinical testing. Allele origin: germline. Observed: 1 variant allele.
Comment: Variant classified as Uncertain Significance - Favor Pathogenic. The p.Arg44X variant in NDE1 has been reported in 1 individual that carried a large deletion that included NDE1 and had severe microcephaly, agenesis of the corpus callosum, scalp rugae, and a fetal brain disruption (FBD)-like phenotype (Paciorkowski 2013 PMID: 23704059, Sajan 2013 PMID: 24098143) and was also identified in 1/15428 of European chromosomes by gnomAD. This nonsense variant leads to a premature termination codon at position 44, which is predicted to lead to a truncated or absent protein. However, the gene-disease association is moderate. In summary, the clinical significance of this variant is uncertain.

PreventionGenetics, part of Exact Sciences
Classification: Pathogenic for NDE1-related condition. Last evaluated: 2024-01-29. Review status: no assertion criteria provided. Collection method: clinical testing. Allele origin: germline. Not counted in ClinVar's aggregate classification.
Comment: The NDE1 c.130C>T variant is predicted to result in premature protein termination (p.Arg44*). This variant was reported in an individual with microcephaly and brain anomalies (Paciorkowski et al. 2013. PubMed ID: 23704059; Sajan et al. 2013. PubMed ID: 24098143). This variant is reported in 0.0065% of alleles in individuals of European (Non-Finnish) descent in gnomAD. Nonsense variants in NDE1 are expected to be pathogenic. This variant is interpreted as pathogenic.

Literature cited by the submitters: PubMed 24098143 (cited by New York Genome Center); PubMed 23704059 (cited by New York Genome Center).